The following is an entry in ClinVar:

ClinVar aggregate classification (germline): Pathogenic (1 of 4 stars; one submission).

Conditions:
Sterile multifocal osteomyelitis with periostitis and pustulosis. Also called: CHRONIC RECURRENT MULTIFOCAL OSTEOMYELITIS 2, WITH PERIOSTITIS AND PUSTULOSIS. Identifiers: Orphanet 210115, MedGen C2748507, MONDO:0013021, OMIM 612852.

Submission:

Labcorp Genetics (formerly Invitae), Labcorp
Classification: Pathogenic for Osteomyelitis, sterile multifocal, with periostitis and pustulosis. Last evaluated: 2019-11-06. Review status: criteria provided, single submitter. Criteria: Invitae Variant Classification Sherloc (09022015). Collection method: clinical testing. Allele origin: germline.
Comment: A gross deletion of the genomic region encompassing the full coding sequence of the IL1RN gene has been identified. The boundaries of this event are unknown as the deletion extends beyond the assayed region for this gene and therefore may encompass additional genes. This variant has not been reported in the literature in individuals with IL1RN-related conditions. Loss-of-function variants in IL1RN are known to be pathogenic (PMID: 19494218, 21792839, 22940634, 26100510). For these reasons, this variant has been classified as Pathogenic.

NC_000002.12:g.(?_113116893)_(113135016_?)del

Gene: IL1RN (interleukin 1 receptor antagonist; plus strand). Cytogenetic location: 2q13.
Variant type: Deletion.
Identifiers: ClinVar variation 832163 (VCV000832163.1).